The following is an entry in ClinVar:

ClinVar aggregate classification (germline): Uncertain significance (1 of 4 stars; one submission).

Submission:

Women's Health and Genetics/Laboratory Corporation of America, LabCorp
Classification: Uncertain significance. Last evaluated: 2024-12-20. Review status: criteria provided, single submitter. Criteria: LabCorp Variant Classification Summary - May 2015. Collection method: clinical testing. Allele origin: germline.
Comment: Variant summary: TGM1 c.2065C>T (p.Arg689Cys) results in a non-conservative amino acid change in the encoded protein sequence. Three of five in-silico tools predict a damaging effect of the variant on protein function. The variant allele was found at a frequency of 1.2e-05 in 251164 control chromosomes (gnomAD). The available data on variant occurrences in the general population are insufficient to allow any conclusion about variant significance. c.2065C>T has been reported in the literature in a heterozygous individual affected with Ichthyosis (Herman_2009). This report does not provide unequivocal conclusions about association of the variant with Lamellar Ichthyosis. To our knowledge, no experimental evidence demonstrating an impact on protein function has been reported. The following publication has been ascertained in the context of this evaluation (PMID: 19241467). No submitters have cited clinical-significance assessments for this variant to ClinVar. Based on the evidence outlined above, the variant was classified as uncertain significance.

Literature cited by the submitters: PubMed 19241467.

NM_000359.3(TGM1):c.2065C>T (p.Arg689Cys)

Gene: TGM1 (transglutaminase 1; minus strand). Cytogenetic location: 14q12.
Variant type: single nucleotide variant.
Coding change: c.2065C>T on transcript NM_000359.3 (MANE Select); coding-DNA position 2065, C replaced by T.
Protein change: p.Arg689Cys; replaces arginine 689 with cysteine.
Molecular consequence: missense variant.
Genome position (GRCh38, 1-based): chr14:24,254,687, G>A on the plus strand (C>T on the coding strand, the complement: TGM1 is on the minus strand). VCF-style: chr14-24254687-G-A. GRCh37 (hg19) VCF-style: chr14-24723893-G-A.
Other names: short protein forms R689C.
Identifiers: ClinVar variation 3768490 (VCV003768490.1).